The following is an entry in ClinVar:

NM_004006.3(DMD):c.2002G>C (p.Ala668Pro)

Gene: DMD (dystrophin; minus strand). Cytogenetic location: Xp21.1.
Variant type: single nucleotide variant.
Coding change: c.2002G>C on transcript NM_004006.3 (MANE Select); coding-DNA position 2002, G replaced by C.
Protein change: p.Ala668Pro; replaces alanine 668 with proline.
Molecular consequence: missense variant.
Genome position (GRCh38, 1-based): chrX:32,545,325, C>G on the plus strand (G>C on the coding strand, the complement: DMD is on the minus strand). VCF-style: chrX-32545325-C-G. GRCh37 (hg19) VCF-style: chrX-32563442-C-G.
Other names: c.1978G>C, p.Ala660Pro (NM_000109.4); c.1990G>C, p.Ala664Pro (NM_004009.3); c.1633G>C, p.Ala545Pro (NM_004010.3); short protein forms A660P, A668P, A545P, A664P.
Identifiers: ClinVar variation 4739649 (VCV004739649.2).

ClinVar aggregate classification (germline): Uncertain significance. Review status: criteria provided, multiple submitters, no conflicts (2 of 4 stars). 2 submissions from 2 submitters: Uncertain significance (2). Last evaluated 2025-11-27.

Conditions:
Duchenne muscular dystrophy (DMD). Also called: MUSCULAR DYSTROPHY, PSEUDOHYPERTROPHIC PROGRESSIVE, DUCHENNE TYPE; Duchenne Muscular Dystrophy (DMD). Identifiers: Orphanet 98896, MedGen C0013264, MONDO:0010679, OMIM 310200.

Submissions (2):

Labcorp Genetics (formerly Invitae), Labcorp
Classification: Uncertain significance for Duchenne muscular dystrophy. Last evaluated: 2025-11-27. Review status: criteria provided, single submitter. Criteria: Invitae Variant Classification Sherloc (09022015). Collection method: clinical testing. Allele origin: germline.
Comment: This sequence change replaces alanine, which is neutral and non-polar, with proline, which is neutral and non-polar, at codon 668 of the DMD protein (p.Ala668Pro). This variant is not present in population databases (gnomAD no frequency). This variant has not been reported in the literature in individuals affected with DMD-related conditions. Invitae Evidence Modeling of protein sequence and biophysical properties (such as structural, functional, and spatial information, amino acid conservation, physicochemical variation, residue mobility, and thermodynamic stability) indicates that this missense variant is not expected to disrupt DMD protein function with a negative predictive value of 95%. In summary, the available evidence is currently insufficient to determine the role of this variant in disease. Therefore, it has been classified as a Variant of Uncertain Significance.

GeneDx
Classification: Uncertain significance. Last evaluated: 2025-08-15. Review status: criteria provided, single submitter. Criteria: GeneDx Variant Classification Process June 2021. Collection method: clinical testing. Allele origin: germline. Affected: yes.
Comment: Not observed at significant frequency in large population cohorts (gnomAD); In silico analysis supports that this missense variant has a deleterious effect on protein structure/function; Has not been previously published as pathogenic or benign to our knowledge